The following is an entry in ClinVar:

NM_025265.4(TSEN2):c.389A>C (p.Lys130Thr)

Gene: TSEN2 (tRNA splicing endonuclease subunit 2; plus strand). Cytogenetic location: 3p25.2.
Variant type: single nucleotide variant.
Coding change: c.389A>C on transcript NM_025265.4 (MANE Select); coding-DNA position 389, A replaced by C.
Protein change: p.Lys130Thr; replaces lysine 130 with threonine.
Molecular consequence: missense variant. On other transcripts: non-coding transcript variant (1).
Genome position (GRCh38, 1-based): chr3:12,503,342, A>C. VCF-style: chr3-12503342-A-C. GRCh37 (hg19) VCF-style: chr3-12544841-A-C.
Other names: c.389A>C, p.Lys130Thr (NM_001145392.2, NM_001145393.3, NM_001145394.2 and 3 more transcripts); short protein forms K130T.
Identifiers: ClinVar variation 160112 (VCV000160112.21), dbSNP rs142211875, ClinGen allele CA272735.
Genomic context (GRCh38, chr3:12,503,342, plus strand): 5'-GGGCAGCAGAGCTGATGCGTAGACAGGGGCAGGATGAGAGTACAGTGCGCAGAATCCTCA[A>C]GGATTACACGAAACCGCTTGAGCATCCTCCTGTGAAAAGGAATGAAGAGGCTCAAGTGCA-3'
Protein context (NP_079541.1, residues 120-140): QDESTVRRIL[Lys130Thr]DYTKPLEHPP

ClinVar aggregate classification (germline): Benign/Likely benign. Review status: criteria provided, multiple submitters, no conflicts (2 of 4 stars). 6 submissions from 6 submitters: Benign (5); Likely benign (1). Last evaluated 2026-02-04.

Conditions:
Pontoneocerebellar hypoplasia. Also called: Pontocerebellar hypoplasia; Non-syndromic pontocerebellar hypoplasia. Identifiers: Orphanet 98523, MedGen C1261175, MONDO:0020135.
Pontocerebellar hypoplasia type 2B (PCH2B). Identifiers: Orphanet 2524, MedGen C2676466, MONDO:0012890, OMIM 612389.

Allele frequency attached by ClinVar (database versions not stated): gnomAD 0.00005 and 0.00096; ESP Exome Variant Server 0.00015; TOPMed 0.00020; gnomAD exomes 0.00155 and 0.00314; ExAC 0.00358; 1000 Genomes Project 30x 0.00828; 1000 Genomes Project 0.00839.
gnomAD v4.1: 2,429 of 1,614,228 alleles (0.15%); highest among the groups gnomAD compares: South Asian, 2.5%; 59 homozygotes.

Submissions (6):

Labcorp Genetics (formerly Invitae), Labcorp
Classification: Benign. Last evaluated: 2026-02-04. Review status: criteria provided, single submitter. Criteria: Invitae Variant Classification Sherloc (09022015). Collection method: clinical testing. Allele origin: germline.

Fulgent Genetics
Classification: Benign for Pontocerebellar hypoplasia type 2B. Last evaluated: 2022-03-30. Review status: criteria provided, single submitter. Criteria: ACMG Guidelines, 2015. Collection method: clinical testing. Allele origin: unknown.

GeneDx
Classification: Benign. Last evaluated: 2018-12-03. Review status: criteria provided, single submitter. Criteria: GeneDx Variant Classification Process June 2021. Collection method: clinical testing. Allele origin: germline. Affected: yes.

Illumina Laboratory Services, Illumina
Classification: Benign for Pontoneocerebellar hypoplasia. Last evaluated: 2018-01-13. Review status: criteria provided, single submitter. Criteria: ICSL Variant Classification Criteria 13 December 2019. Collection method: clinical testing. Allele origin: germline.
Comment: This variant was observed in the ICSL laboratory as part of a predisposition screen in an ostensibly healthy population. It had not been previously curated by ICSL or reported in the Human Gene Mutation Database (HGMD: prior to June 1st, 2018), and was therefore a candidate for classification through an automated scoring system. Utilizing variant allele frequency, disease prevalence and penetrance estimates, and inheritance mode, an automated score was calculated to assess if this variant is too frequent to cause the disease. Based on the score and internal cut-off values, a variant classified as benign is not then subjected to further curation. The score for this variant resulted in a classification of benign for this disease.

Genetic Services Laboratory, University of Chicago
Classification: Benign. Last evaluated: 2017-06-29. Review status: criteria provided, single submitter. Criteria: ACMG Guidelines, 2015. Collection method: clinical testing. Allele origin: germline. Affected: no.

PreventionGenetics, part of Exact Sciences
Classification: Likely benign. Review status: criteria provided, single submitter. Criteria: ACMG Guidelines, 2015. Collection method: clinical testing. Allele origin: germline.